The following is an entry in ClinVar:

ClinVar aggregate classification (germline): Uncertain significance (1 of 4 stars; one submission).

Submission:

Labcorp Genetics (formerly Invitae), Labcorp
Classification: Uncertain significance. Last evaluated: 2025-12-04. Review status: criteria provided, single submitter. Criteria: Invitae Variant Classification Sherloc (09022015). Collection method: clinical testing. Allele origin: germline.
Comment: This sequence change falls in intron 2 of the CD81 gene. It does not directly change the encoded amino acid sequence of the CD81 protein. It affects a nucleotide within the consensus splice site. This variant is not present in population databases (gnomAD no frequency). This variant has not been reported in the literature in individuals affected with CD81-related conditions. Variants that disrupt the consensus splice site are a relatively common cause of aberrant splicing (PMID: 17576681, 9536098). Algorithms developed to predict the effect of sequence changes on RNA splicing suggest that this variant may disrupt the consensus splice site. In summary, the available evidence is currently insufficient to determine the role of this variant in disease. Therefore, it has been classified as a Variant of Uncertain Significance.

Literature cited by the submitters: PubMed 17576681; PubMed 9536098.

NM_004356.4(CD81):c.181+5G>T

Gene: CD81 (CD81 molecule; plus strand). Cytogenetic location: 11p15.5.
Variant type: single nucleotide variant.
Coding change: c.181+5G>T on transcript NM_004356.4 (MANE Select); 5 bases into the intron after coding-DNA position 181, G replaced by T.
Molecular consequence: intron variant.
Genome position (GRCh38, 1-based): chr11:2,390,531, G>T. VCF-style: chr11-2390531-G-T. GRCh37 (hg19) VCF-style: chr11-2411761-G-T.
Other names: c.-33+5G>T (NM_001425129.1, NM_001297649.2, NM_001425131.1 and 3 more transcripts); c.181+5G>T (NM_001425135.1, NM_001425137.1); c.-33+9G>T (NM_001425130.1).
Identifiers: ClinVar variation 4807554 (VCV004807554.1).